The following is an entry in ClinVar:

ClinVar aggregate classification (germline): Likely benign. Review status: criteria provided, multiple submitters, no conflicts (2 of 4 stars). 2 submissions from 2 submitters: Likely benign (2). Last evaluated 2025-02-18.

Conditions:
Adenylosuccinate lyase deficiency (ADSLD). Also called: ADSL DEFICIENCY. Identifiers: Orphanet 46, MedGen C0268126, MONDO:0007068, OMIM 103050.

Allele frequency attached by ClinVar (database versions not stated): gnomAD 0.00001; TOPMed 0.00002; ExAC 0.00005; gnomAD exomes 0.00007.
gnomAD v4.1: 61 of 1,612,434 alleles (0.0038%); highest among the groups gnomAD compares: South Asian, 0.055%; no homozygotes.

Submissions (2):

Labcorp Genetics (formerly Invitae), Labcorp
Classification: Likely benign for Adenylosuccinate lyase deficiency. Last evaluated: 2025-02-18. Review status: criteria provided, single submitter. Criteria: Invitae Variant Classification Sherloc (09022015). Collection method: clinical testing. Allele origin: germline.

GeneDx
Classification: Likely benign. Last evaluated: 2016-02-16. Review status: criteria provided, single submitter. Criteria: GeneDx Variant Classification (06012015). Collection method: clinical testing. Allele origin: germline. Affected: yes.
Comment: This variant is considered likely benign or benign based on one or more of the following criteria: it is a conservative change, it occurs at a poorly conserved position in the protein, it is predicted to be benign by multiple in silico algorithms, and/or has population frequency not consistent with disease.

NM_000026.4(ADSL):c.358-5C>T

Gene: ADSL (adenylosuccinate lyase; plus strand). Cytogenetic location: 22q13.1.
Variant type: single nucleotide variant.
Coding change: c.358-5C>T on transcript NM_000026.4 (MANE Select); 5 bases into the intron before coding-DNA position 358, C replaced by T.
Molecular consequence: intron variant.
Genome position (GRCh38, 1-based): chr22:40,353,068, C>T. VCF-style: chr22-40353068-C-T. GRCh37 (hg19) VCF-style: chr22-40749072-C-T.
Other names: c.358-5C>T (NM_001363840.3, NM_001123378.3); c.166-5C>T (NM_001317923.2).
Identifiers: ClinVar variation 383695 (VCV000383695.8), dbSNP rs769856337, ClinGen allele CA10247687.